The following is an entry in ClinVar:

ClinVar aggregate classification (germline): Benign (1 of 4 stars; one submission).

Conditions:
Seizures, benign familial neonatal, 2. Also called: CONVULSIONS, BENIGN FAMILIAL NEONATAL, 2; KCNQ3-Related Self-Limited Familial Neonatal Epilepsy (SLFNE); Benign Neonatal Epilepsy 2; KCNQ3-Related Benign Familial Neonatal Epilepsy; Seizures, benign neonatal, 2. Identifiers: Orphanet 1949, MedGen C1852581, MONDO:0007366, OMIM 121201.

Allele frequency attached by ClinVar (database versions not stated): TOPMed 0.00983; 1000 Genomes Project 30x 0.01077; gnomAD 0.00891 and 0.00945; 1000 Genomes Project 0.00998.

Submission:

Illumina Laboratory Services, Illumina
Classification: Benign for Seizures, benign familial neonatal, 2. Last evaluated: 2018-01-13. Review status: criteria provided, single submitter. Criteria: ICSL Variant Classification Criteria 13 December 2019. Collection method: clinical testing. Allele origin: germline.
Comment: This variant was observed in the ICSL laboratory as part of a predisposition screen in an ostensibly healthy population. It had not been previously curated by ICSL or reported in the Human Gene Mutation Database (HGMD: prior to June 1st, 2018), and was therefore a candidate for classification through an automated scoring system. Utilizing variant allele frequency, disease prevalence and penetrance estimates, and inheritance mode, an automated score was calculated to assess if this variant is too frequent to cause the disease. Based on the score and internal cut-off values, a variant classified as benign is not then subjected to further curation. The score for this variant resulted in a classification of benign for this disease.

NM_004519.4(KCNQ3):c.*3957A>G

Gene: KCNQ3 (potassium voltage-gated channel subfamily Q member 3; minus strand). Cytogenetic location: 8q24.22.
Variant type: single nucleotide variant.
Coding change: c.*3957A>G on transcript NM_004519.4 (MANE Select); 3957 bases downstream of the stop codon, A replaced by G.
Molecular consequence: 3 prime UTR variant.
Genome position (GRCh38, 1-based): chr8:132,125,305, T>C on the plus strand (A>G on the coding strand, the complement: KCNQ3 is on the minus strand). VCF-style: chr8-132125305-T-C. GRCh37 (hg19) VCF-style: chr8-133137552-T-C.
Other names: c.*3957A>G (NM_001204824.2).
Identifiers: ClinVar variation 361815 (VCV000361815.6), dbSNP rs16904601, ClinGen allele CA10624745.